The following is an entry in ClinVar:

NM_058172.6(ANTXR2):c.211del (p.Glu71fs)

Gene: ANTXR2 (ANTXR cell adhesion molecule 2; minus strand). Cytogenetic location: 4q21.21.
Variant type: Deletion.
Coding change: c.211del on transcript NM_058172.6 (MANE Select); coding-DNA position 211, one base deleted (G; older notation c.211delG).
Protein change: p.Glu71fs; shifts the reading frame from glutamic acid 71.
Molecular consequence: frameshift variant. On other transcripts: 5 prime UTR variant (2).
Genome position (GRCh38, 1-based): chr4:80,071,596, C deleted on the plus strand (G on the coding strand, the reverse complement: ANTXR2 is on the minus strand); the first of 2 consecutive C bases (chr4:80,071,596-80,071,597); deleting either gives the same sequence. VCF-style (leftmost placement, unchanged base first): chr4-80071595-TC-T. GRCh37 (hg19) VCF-style: chr4-80992749-TC-T.
Other names: c.211del, p.Glu71fs (NM_001145794.2); c.-21del (NM_001286780.2, NM_001286781.2); short protein forms E71fs.
Identifiers: ClinVar variation 2585304 (VCV002585304.1), dbSNP rs2475777661, ClinGen allele CA2582342655.

ClinVar aggregate classification (germline): Likely pathogenic (1 of 4 stars; one submission).

Conditions:
Hyaline fibromatosis syndrome (HFS). Also called: Hyalinosis, Inherited Systemic; HYALINOSIS, SYSTEMIC. Identifiers: Orphanet 2028, Orphanet 498474, MedGen C5574677, MONDO:0009229, OMIM 228600.

Submission:

Neuberg Centre For Genomic Medicine, NCGM
Classification: Likely pathogenic for Hyaline fibromatosis syndrome. Review status: criteria provided, single submitter. Criteria: ACMG Guidelines, 2015. Collection method: clinical testing. Allele origin: germline. Inheritance: Autosomal recessive inheritance. Affected: yes.
Comment: The frameshift variant c.211del (p.Glu71ArgfsTer4) in ANTXR2 gene has not been reported previously as a pathogenic variant nor as a benign variant, to our knowledge. The p.Glu71ArgfsTer4 variant is novel (not in any individuals) in gnomAD Exomes and is novel (not in any individuals) in 1000 Genomes. This variant causes a frameshift starting with codon Glutamic Acid 71, changes this amino acid to Arginine residue, and creates a premature Stop codon at position 4 of the new reading frame, denoted p.Glu71ArgfsTer4. This variant is predicted to cause loss of normal protein function through protein truncation. Loss of function variants have been previously reported to be disease causing. For these reasons, this variant has been classified as Likely Pathogenic.